The following is an entry in ClinVar:

ClinVar aggregate classification (germline): Conflicting classifications of pathogenicity. Review status: criteria provided, conflicting classifications (1 of 4 stars). 4 submissions from 4 submitters: Uncertain significance (2); Likely benign (1). 1 of the submissions does not count toward it. Last evaluated 2020-10-13.

Conditions:
Microcephaly 4, primary, autosomal recessive. Identifiers: Orphanet 2512, MedGen C1858516, MONDO:0011437, OMIM 604321.

Allele frequency attached by ClinVar (database versions not stated): gnomAD exomes 0.00012 and 0.00035; ExAC 0.00041; ESP Exome Variant Server 0.00126; gnomAD 0.00131 and 0.00135; TOPMed 0.00145; 1000 Genomes Project 0.00280; 1000 Genomes Project 30x 0.00281.
gnomAD v4.1: 388 of 1,613,990 alleles (0.024%); highest among the groups gnomAD compares: African/African-American, 0.43%; no homozygotes.

Submissions (5):

GeneDx
Classification: Uncertain significance. Last evaluated: 2020-10-13. Review status: criteria provided, single submitter. Criteria: GeneDx Variant Classification Process June 2021. Collection method: clinical testing. Allele origin: germline. Affected: yes.
Comment: In silico analysis supports that this missense variant has a deleterious effect on protein structure/function; In silico analysis suggests this variant may impact gene splicing. In the absence of RNA/functional studies, the actual effect of this sequence change is unknown.; Has not been previously published as pathogenic or benign to our knowledge

Labcorp Genetics (formerly Invitae), Labcorp
Classification: Likely benign. Last evaluated: 2018-06-29. Review status: criteria provided, single submitter. Criteria: Invitae Variant Classification Sherloc (09022015). Collection method: clinical testing. Allele origin: germline.

Illumina Laboratory Services, Illumina
Classification: Uncertain significance for Microcephaly 4, primary, autosomal recessive. Last evaluated: 2018-01-13. Review status: criteria provided, single submitter. Criteria: ICSL Variant Classification Criteria 13 December 2019. Collection method: clinical testing. Allele origin: germline.

Department of Pathology and Laboratory Medicine, Sinai Health System
Classification: Uncertain significance. Review status: no assertion criteria provided. Collection method: clinical testing. Allele origin: unknown. Affected: yes. Study: The Canadian Open Genetics Repository (COGR). Not counted in ClinVar's aggregate classification.
Comment: The KNL1 p.Asn1617Ser variant was not identified in the literature but was identified in dbSNP (ID: rs200656662), LOVD 3.0 and ClinVar (classified as uncertain significance by GeneDx and as likely benign by Invitae). The variant was identified in control databases in 134 of 280450 chromosomes at a frequency of 0.0004778 increasing the likelihood this could be a low frequency benign variant (Genome Aggregation Database March 6, 2019, v2.1.1). The variant was observed in the following populations: African in 117 of 24156 chromosomes (freq: 0.004844), Other in 2 of 7126 chromosomes (freq: 0.000281), Latino in 9 of 35304 chromosomes (freq: 0.000255) and European (non-Finnish) in 6 of 128410 chromosomes (freq: 0.000047), but was not observed in the Ashkenazi Jewish, East Asian, European (Finnish), and South Asian populations. The p.Asn1617 residue is not conserved in mammals and computational analyses (PolyPhen-2, SIFT, AlignGVGD, BLOSUM, MutationTaster) do not suggest a high likelihood of impact to the protein; however, this information is not predictive enough to rule out pathogenicity. The variant occurs outside of the splicing consensus sequence and 3 of 4 in silico or computational prediction software programs (SpliceSiteFinder, MaxEntScan, NNSPLICE, GeneSplicer) predict a greater than 10% difference in splicing. However, this has not been confirmed by RNA analysis and is not predictive enough to assume pathogenicity. In summary, based on the above information the clinical significance of this variant cannot be determined with certainty at this time. This variant is classified as a variant of uncertain significance.

Dr. Peter K. Rogan Lab, Western University
No classification provided (evidence only). Condition: Thyroid cancer, nonmedullary, 1. Review status: no classification provided. Collection method: in vitro. Allele origin: not applicable. Functional consequence: retained intron. Not counted in ClinVar's aggregate classification.

NM_144508.5(KNL1):c.4772A>G (p.Asn1591Ser)

Gene: KNL1 (kinetochore scaffold 1; plus strand). Cytogenetic location: 15q15.1.
Variant type: single nucleotide variant.
Coding change: c.4772A>G on transcript NM_144508.5 (MANE Select); coding-DNA position 4772, A replaced by G.
Protein change: p.Asn1591Ser; replaces asparagine 1591 with serine.
Molecular consequence: missense variant.
Genome position (GRCh38, 1-based): chr15:40,625,036, A>G. VCF-style: chr15-40625036-A-G. GRCh37 (hg19) VCF-style: chr15-40917234-A-G.
Other names: NC_000015.9:g.40917234A>G; c.4850A>G, p.Asn1617Ser (NM_170589.5); short protein forms N1617S, N1591S.
Identifiers: ClinVar variation 420525 (VCV000420525.13), dbSNP rs200656662, ClinGen allele CA7483229.